The following is an entry in ClinVar:

NM_177987.3(TUBB8):c.600T>G (p.Phe200Leu)

Gene: TUBB8 (tubulin beta 8 class VIII; minus strand). Cytogenetic location: 10p15.3.
Variant type: single nucleotide variant.
Coding change: c.600T>G on transcript NM_177987.3 (MANE Select); coding-DNA position 600, T replaced by G.
Protein change: p.Phe200Leu; replaces phenylalanine 200 with leucine.
Molecular consequence: missense variant.
Genome position (GRCh38, 1-based): chr10:47,792, A>C on the plus strand (T>G on the coding strand, the complement: TUBB8 is on the minus strand). VCF-style: chr10-47792-A-C. GRCh37 (hg19) VCF-style: chr10-93732-A-C.
Other names: c.384T>G, p.Phe128Leu (NM_001389618.1, NM_001389619.1); short protein forms F200L, F128L.
Identifiers: ClinVar variation 522599 (VCV000522599.3), dbSNP rs148025238, ClinGen allele CA375817987.

ClinVar aggregate classification (germline): Uncertain significance (1 of 4 stars; one submission).

Conditions:
Female infertility. Identifiers: MedGen C0021361, MONDO:0021124, HP:0008222.

Submission:

Molecular Diagnostics Laboratory, Nadiya Clinic of Reproductive Medicine
Classification: Uncertain significance for Female infertility. Last evaluated: 2018-01-22. Review status: criteria provided, single submitter. Criteria: ACMG Guidelines, 2015. Collection method: clinical testing. Allele origin: unknown. Affected: yes. Observed: 1 variant allele, 1 heterozygote.
Comment: The variant NM_177987.2(TUBB8):c.600T>G (p.(Phe200Leu)) was not reported previously. It is absent from gnomAD Exomes (ExAC) database, considering that 99.15% of samples have the site covered more than 20 times and mean coverage is 96.8. The variant is located in the tubulin domain (PF00091), which is critical for the proteinâ€™s function. All reported variants in this domain are known to be involved in defective oocyte maturation. As of today, all reported missense variants in TUBB8 are known to be associated with the oocyte maturation defect 2 (OOMD2, OMIM:616780) and only a few pathologic variants are not missense. This is a conservative missense variant. In silico predictions are mostly benign or neutral. Therefore, we consider this variant to be of uncertain significance due to the conflicting evidence. Hopefully, a body of evidence will grow, enabling more precise classification. It should be noted that clinical observations in our case do not fully match OOMD2 phenotype (OMIM:616780), but rather resemble PREMBL2 phenotype (OMIM:617234) that is known to be caused by mutations in PADI6. The ICSI-IVF cycle, that was carried out after 3 failed IUI cycles, resulted in retrieval of 28 oocytes: 2 degenerated, 3 in GV stage, 2 in MI stage and 21 in MII stage. Out of 23 oocytes that underwent ICSI (MII and MI), only 13 developed 2 pronuclei; the zygotes subsequently underwent early embryonic arrest.